The following is an entry in ClinVar:

NM_152564.5(VPS13B):c.1721C>T (p.Thr574Ile)

Gene: VPS13B (vacuolar protein sorting 13 homolog B; plus strand). Cytogenetic location: 8q22.2.
Variant type: single nucleotide variant.
Coding change: c.1721C>T on transcript NM_152564.5 (MANE Select); coding-DNA position 1721, C replaced by T.
Protein change: p.Thr574Ile; replaces threonine 574 with isoleucine.
Molecular consequence: missense variant.
Genome position (GRCh38, 1-based): chr8:99,143,043, C>T. VCF-style: chr8-99143043-C-T. GRCh37 (hg19) VCF-style: chr8-100155271-C-T.
Other names: c.1721C>T, p.Thr574Ile (NM_017890.5, NM_015243.3); short protein forms T574I.
Identifiers: ClinVar variation 2164850 (VCV002164850.4), dbSNP rs2132581141, ClinGen allele CA371863938.
Genomic context (GRCh38, chr8:99,143,043, plus strand): 5'-ATCAACAAGACTTTTCTTCAGGGAAAAGTGAAGATTTGGGAACAGTTCAGGAGAAGTCCA[C>T]CAAAAGCCTTGTTATAGGTCCTCTTGATTTTCGTTTGGATAGCAGTGCGGTGCATAGGAT-3'
Protein context (NP_689777.3, residues 564-584): EDLGTVQEKS[Thr574Ile]KSLVIGPLDF

ClinVar aggregate classification (germline): Uncertain significance (1 of 4 stars; one submission).

Conditions:
Cohen syndrome (COH1). Also called: Cutis verticis gyrata, retinitis pigmentosa, and sensorineural deafness; PEPPER SYNDROME. Identifiers: Orphanet 193, MedGen C0265223, MONDO:0008999, OMIM 216550.

Allele frequency attached by ClinVar (database versions not stated): gnomAD exomes below 0.00001.
gnomAD v4.1: 1 of 1,614,020 alleles (0.000062%); highest among the groups gnomAD compares: Non-Finnish European, 0.000085%; no homozygotes.

Submission:

Labcorp Genetics (formerly Invitae), Labcorp
Classification: Uncertain significance for Cohen syndrome. Last evaluated: 2022-07-25. Review status: criteria provided, single submitter. Criteria: Invitae Variant Classification Sherloc (09022015). Collection method: clinical testing. Allele origin: germline.
Comment: This sequence change replaces threonine, which is neutral and polar, with isoleucine, which is neutral and non-polar, at codon 574 of the VPS13B protein (p.Thr574Ile). This variant is not present in population databases (gnomAD no frequency). This variant has not been reported in the literature in individuals affected with VPS13B-related conditions. Algorithms developed to predict the effect of missense changes on protein structure and function output the following: SIFT: "Not Available"; PolyPhen-2: "Possibly Damaging"; Align-GVGD: "Not Available". The isoleucine amino acid residue is found in multiple mammalian species, which suggests that this missense change does not adversely affect protein function. In summary, the available evidence is currently insufficient to determine the role of this variant in disease. Therefore, it has been classified as a Variant of Uncertain Significance.